The following is an entry in ClinVar:

ClinVar aggregate classification (germline): Pathogenic. Review status: reviewed by expert panel (3 of 4 stars). 10 submissions from 10 submitters: Pathogenic (1). 9 of the submissions do not count toward it. Last evaluated 2025-01-08.

Conditions:
Autosomal recessive limb-girdle muscular dystrophy. Identifiers: Orphanet 102015, MedGen C2931907, MONDO:0015152.
Autosomal recessive limb-girdle muscular dystrophy type 2F (LGMDR6). Also called: MUSCULAR DYSTROPHY, LIMB-GIRDLE, AUTOSOMAL RECESSIVE 6; Muscular dystrophy limb-girdle with delta-sarcoglyan deficiency. Identifiers: Orphanet 219, MedGen C1832525, MONDO:0011028, OMIM 601287. Disease mechanism: Affects gamma-sarcoglycan and also disrupts the integrity of the entire sarcoglycan complex..
Dilated cardiomyopathy 1L (CMD1L). Identifiers: Orphanet 154, MedGen C1847667, MONDO:0011702, OMIM 606685.
SGCD-related disorder. Also called: SGCD-related condition.

Allele frequency attached by ClinVar (database versions not stated): gnomAD 0.00001; TOPMed 0.00001.
gnomAD v4.1: 11 of 1,611,054 alleles (0.00068%); highest among the groups gnomAD compares: African/African-American, 0.0027%; no homozygotes.

Submissions (10):

ClinGen Limb Girdle Muscular Dystrophy Variant Curation Expert Panel, ClinGen
Classification: Pathogenic for Autosomal recessive limb-girdle muscular dystrophy. Last evaluated: 2025-01-08. Review status: reviewed by expert panel. Criteria: ClinGen LGMD VCEP ACMG Specifications SGCD V1.0.0. Collection method: curation. Allele origin: germline. Inheritance: Autosomal recessive inheritance.
Comment: The NM_000337.6: c.493C>T p.(Arg165Ter) variant in SGCD is a nonsense variant predicted to cause a premature stop codon in biologically relevant exon 6/9, leading to nonsense mediated decay in a gene in which loss of function is an established disease mechanism (PVS1). This variant has been detected in at least three patients with limb girdle muscular dystrophy, including in homozygous state in at least two patients from two families (1.0 pt, PMID: 19770540, 10735275) (PM3). At least one patient with this variant displayed progressive limb girdle muscle weakness as well as absent delta-sarcoglycan protein expression in skeletal muscle by IHC, which is highly specific for SGCD-related LGMD (PP4_Strong; PMID: 19770540). The highest population minor allele frequency for this variant is 0.00004827 (2/41432 genome chromosomes) in the African/African American population of gnomAD v3.1.2, which is lower than the ClinGen LGMD VCEP threshold for PM2_Supporting (<0.00009), meeting this criterion (PM2_Supporting). In summary, this variant meets the criteria to be classified as Pathogenic for autosomal recessive limb girdle muscular dystrophy based on the ACMG/AMP criteria applied, as specified by the ClinGen LGMD VCEP (LGMD VCEP specifications version 1.0.0; 01/08/2025): PVS1, PP4_Strong, PM3, PM2_Supporting.

Medical and Scientific Branch, Hong Kong Genome Institute
Classification: Pathogenic for Autosomal recessive limb-girdle muscular dystrophy type 2F. Last evaluated: 2025-12-11. Review status: criteria provided, single submitter. Criteria: ACMG Guidelines, 2015. Collection method: clinical testing. Allele origin: germline. Affected: yes. Not counted in ClinVar's aggregate classification.

Labcorp Genetics (formerly Invitae), Labcorp
Classification: Pathogenic for Autosomal recessive limb-girdle muscular dystrophy type 2F. Last evaluated: 2025-11-03. Review status: criteria provided, single submitter. Criteria: Invitae Variant Classification Sherloc (09022015). Collection method: clinical testing. Allele origin: germline. Not counted in ClinVar's aggregate classification.
Comment: This sequence change creates a premature translational stop signal (p.Arg165*) in the SGCD gene. It is expected to result in an absent or disrupted protein product. Loss-of-function variants in SGCD are known to be pathogenic (PMID: 8841194, 10735275, 10838250). The frequency data for this variant in the population databases is considered unreliable, as metrics indicate poor data quality at this position in the gnomAD database. This premature translational stop signal has been observed in individuals with limb-girdle muscular dystrophy (PMID: 10735275, 19770540). ClinVar contains an entry for this variant (Variation ID: 8172). For these reasons, this variant has been classified as Pathogenic.

Baylor Genetics
Classification: Pathogenic for Dilated cardiomyopathy 1L. Last evaluated: 2024-03-15. Review status: criteria provided, single submitter. Criteria: ACMG Guidelines, 2015. Collection method: clinical testing. Allele origin: unknown. Not counted in ClinVar's aggregate classification.

GeneDx
Classification: Pathogenic. Last evaluated: 2023-08-16. Review status: criteria provided, single submitter. Criteria: GeneDx Variant Classification Process June 2021. Collection method: clinical testing. Allele origin: germline. Affected: yes. Not counted in ClinVar's aggregate classification.
Comment: Nonsense variant predicted to result in protein truncation or nonsense mediated decay in a gene for which loss of function is a known mechanism of disease; Not observed at significant frequency in large population cohorts (gnomAD); This variant is associated with the following publications: (PMID: 25525159, 19770540, 35416532, 33250842, 10735275)

Revvity Omics, Revvity
Classification: Pathogenic. Last evaluated: 2023-05-31. Review status: criteria provided, single submitter. Criteria: ACMG Guidelines, 2015. Collection method: clinical testing. Allele origin: germline. Not counted in ClinVar's aggregate classification.

Blueprint Genetics
Classification: Pathogenic for SGCD-related disorders. Last evaluated: 2023-02-10. Review status: criteria provided, single submitter. Criteria: ACMG Guidelines, 2015. Collection method: clinical testing. Allele origin: germline. Affected: yes. Observed: 2 variant alleles. Not counted in ClinVar's aggregate classification.

Genome-Nilou Lab
Classification: Pathogenic for Autosomal recessive limb-girdle muscular dystrophy type 2F. Last evaluated: 2023-02-08. Review status: criteria provided, single submitter. Criteria: ACMG Guidelines, 2015. Collection method: clinical testing. Allele origin: germline. Not counted in ClinVar's aggregate classification.

Counsyl
Classification: Pathogenic for Dilated cardiomyopathy 1L; Autosomal recessive limb-girdle muscular dystrophy type 2F. Last evaluated: 2016-12-16. Review status: no assertion criteria provided. Collection method: clinical testing. Allele origin: unknown. Not counted in ClinVar's aggregate classification.

OMIM
Classification: Pathogenic for MUSCULAR DYSTROPHY, LIMB-GIRDLE, AUTOSOMAL RECESSIVE 6. Last evaluated: 1997-05-01. Review status: no assertion criteria provided. Collection method: literature only. Allele origin: germline. Not counted in ClinVar's aggregate classification.

Literature cited by the submitters: PubMed 8841194 (cited by Labcorp Genetics (formerly Invitae), Labcorp); PubMed 10735275 (cited by 3 submitters); PubMed 10838250 (cited by Labcorp Genetics (formerly Invitae), Labcorp); PubMed 19770540 (cited by Labcorp Genetics (formerly Invitae), Labcorp and Counsyl).

NM_000337.6(SGCD):c.493C>T (p.Arg165Ter)

Gene: SGCD (sarcoglycan delta; plus strand). Cytogenetic location: 5q33.3.
Variant type: single nucleotide variant.
Coding change: c.493C>T on transcript NM_000337.6 (MANE Select); coding-DNA position 493, C replaced by T.
Protein change: p.Arg165Ter; replaces arginine 165 with a stop codon.
Molecular consequence: nonsense.
Genome position (GRCh38, 1-based): chr5:156,595,042, C>T. VCF-style: chr5-156595042-C-T. GRCh37 (hg19) VCF-style: chr5-156022052-C-T.
Other names: NM_000337.6(SGCD):c.493C>T; p.Arg165Ter; c.490C>T, p.Arg164Ter (NM_001128209.2); c.493C>T, p.Arg165Ter (NM_172244.3); short protein forms R165*, R164*.
Identifiers: ClinVar variation 8172 (VCV000008172.21), dbSNP rs121909295, ClinGen allele CA340747.